The following is an entry in ClinVar:

NM_003900.5(SQSTM1):c.1316C>T (p.Pro439Leu)

Gene: SQSTM1 (sequestosome 1; plus strand). Cytogenetic location: 5q35.3.
Variant type: single nucleotide variant.
Coding change: c.1316C>T on transcript NM_003900.5 (MANE Select); coding-DNA position 1316, C replaced by T.
Protein change: p.Pro439Leu; replaces proline 439 with leucine.
Molecular consequence: missense variant.
Genome position (GRCh38, 1-based): chr5:179,836,586, C>T. VCF-style: chr5-179836586-C-T. GRCh37 (hg19) VCF-style: chr5-179263586-C-T.
Other names: c.1064C>T, p.Pro355Leu (NM_001142298.2, NM_001142299.2); short protein forms P355L, P439L.
Identifiers: ClinVar variation 851619 (VCV000851619.15), dbSNP rs199854262, ClinGen allele CA3600890.

ClinVar aggregate classification (germline): Conflicting classifications of pathogenicity. Review status: criteria provided, conflicting classifications (1 of 4 stars). 6 submissions from 6 submitters: Uncertain significance (5); Likely benign (1). Last evaluated 2026-05-20.

Conditions:
Frontotemporal dementia and/or amyotrophic lateral sclerosis 1 (FTDALS1). Also called: C9orf72 Frontotemporal Dementia and/or Amyotrophic Lateral Sclerosis; Frontotemporal dementia with motor neuron disease 1. Identifiers: Orphanet 275872, MedGen C5779877, MONDO:0007105, OMIM 105550.
Paget disease of bone 2, early-onset (PDB2). Also called: Paget disease of bone 2. Identifiers: MedGen C4085251, MONDO:0011183, OMIM 602080.
Paget disease of bone 3. Identifiers: MedGen C4085252, MONDO:0008176, OMIM 167250.
SQSTM1-related disorder. Also called: SQSTM1-Related Disorders.

Allele frequency attached by ClinVar (database versions not stated): gnomAD 0.00006 and 0.00007; ExAC 0.00009; TOPMed 0.00012; gnomAD exomes 0.00013.
gnomAD v4.1: 215 of 1,614,072 alleles (0.013%); highest among the groups gnomAD compares: East Asian, 0.17%; 1 homozygote.

Submissions (6):

GeneDx
Classification: Uncertain significance. Last evaluated: 2026-05-20. Review status: criteria provided, single submitter. Criteria: GeneDx Variant Classification Process June 2021. Collection method: clinical testing. Allele origin: germline.
Comment: In silico analysis suggests that this missense variant does not alter protein structure/function; This variant is associated with the following publications: (PMID: 34426522, 24486447, 22084127, 23303844, Jassall2023[abstract], 24899140, 23942205, 32317127, 26601740, 25796131, 26467153, 27163810, 25852467)

Labcorp Genetics (formerly Invitae), Labcorp
Classification: Uncertain significance for Paget disease of bone 2, early-onset; Frontotemporal dementia and/or amyotrophic lateral sclerosis 1. Last evaluated: 2025-11-17. Review status: criteria provided, single submitter. Criteria: Invitae Variant Classification Sherloc (09022015). Collection method: clinical testing. Allele origin: germline.
Comment: This sequence change replaces proline, which is neutral and non-polar, with leucine, which is neutral and non-polar, at codon 439 of the SQSTM1 protein (p.Pro439Leu). This variant is present in population databases (rs199854262, gnomAD 0.02%). This missense change has been observed in individual(s) with amyotrophic lateral sclerosis (PMID: 23303844, 24486447, 24899140). ClinVar contains an entry for this variant (Variation ID: 851619). An algorithm developed to predict the effect of missense changes on protein structure and function outputs the following: PolyPhen-2: "Benign". The leucine amino acid residue is found in multiple mammalian species, which suggests that this missense change does not adversely affect protein function. In summary, the available evidence is currently insufficient to determine the role of this variant in disease. Therefore, it has been classified as a Variant of Uncertain Significance.

Women's Health and Genetics/Laboratory Corporation of America, LabCorp
Classification: Uncertain significance. Last evaluated: 2025-06-26. Review status: criteria provided, single submitter. Criteria: LabCorp Variant Classification Summary - May 2015. Collection method: clinical testing. Allele origin: germline.
Comment: Variant summary: SQSTM1 c.1316C>T (p.Pro439Leu) results in a non-conservative amino acid change in the encoded protein sequence. Algorithms developed to predict the effect of missense changes on protein structure and function are either unavailable or do not agree on the potential impact of this missense change. The variant allele was found at a frequency of 0.00013 in 251494 control chromosomes. This frequency is not significantly higher than estimated for a pathogenic variant in SQSTM1 causing SQSTM1-Related Disorders, allowing no conclusion about variant significance. c.1316C>T has been observed in individuals affected with frontotemporal dementia, amyotrophic lateral sclerosis, and Alzheimer disease, without strong evidence for causality (i.e. segregation data) and has also been reported in several control individuals (e.g. Fecto_2013, Hirano_2013, van der Zee_2014, Kim_2016, Luis_2016, Ramos-Campoy_2020, Tabuas-Pereira_2022). These report(s) do not provide unequivocal conclusions about association of the variant with SQSTM1-Related Disorders. To our knowledge, no experimental evidence demonstrating an impact on protein function has been reported. The following publications have been ascertained in the context of this evaluation (PMID: 22084127, 23303844, 26601740, 27163810, 32317127, 35873773, 24899140). ClinVar contains an entry for this variant (Variation ID: 851619). Based on the evidence outlined above, the variant was classified as uncertain significance.

PreventionGenetics, part of Exact Sciences
Classification: Likely benign for SQSTM1-related condition. Last evaluated: 2024-10-07. Review status: criteria provided, single submitter. Criteria: ACMG Guidelines, 2015. Collection method: clinical testing. Allele origin: germline.
Comment: This variant is classified as likely benign based on ACMG/AMP sequence variant interpretation guidelines (Richards et al. 2015 PMID: 25741868, with internal and published modifications).

Illumina Laboratory Services, Illumina
Classification: Uncertain significance for Paget disease of bone 3. Last evaluated: 2017-04-27. Review status: criteria provided, single submitter. Criteria: ICSL Variant Classification Criteria 13 December 2019. Collection method: clinical testing. Allele origin: germline.
Comment: This variant was observed as part of a predisposition screen in an ostensibly healthy population. A literature search was performed for the gene, cDNA change, and amino acid change (where applicable). Publications were found based on this search. However, the evidence from the literature, in combination with allele frequency data from public databases where available, was not sufficient to rule this variant in or out of causing disease. Therefore, this variant is classified as a variant of unknown significance.

Breakthrough Genomics
Classification: Uncertain significance. Review status: criteria provided, single submitter. Criteria: ACMG Guidelines, 2015. Collection method: not provided. Allele origin: germline. Inheritance: Autosomal recessive inheritance. Affected: yes.

Literature cited by the submitters: PubMed 23303844 (cited by 3 submitters); PubMed 24486447 (cited by Labcorp Genetics (formerly Invitae), Labcorp and Illumina Laboratory Services, Illumina); PubMed 24899140 (cited by 3 submitters); PubMed 26601740 (cited by Women's Health and Genetics/Laboratory Corporation of America, LabCorp); PubMed 35873773 (cited by Women's Health and Genetics/Laboratory Corporation of America, LabCorp); PubMed 22084127 (cited by Women's Health and Genetics/Laboratory Corporation of America, LabCorp and Illumina Laboratory Services, Illumina); PubMed 32317127 (cited by Women's Health and Genetics/Laboratory Corporation of America, LabCorp); PubMed 27163810 (cited by Women's Health and Genetics/Laboratory Corporation of America, LabCorp); PubMed 25852467 (cited by Illumina Laboratory Services, Illumina); PubMed 25796131 (cited by Illumina Laboratory Services, Illumina); PubMed 23942205 (cited by Illumina Laboratory Services, Illumina).